The following is an entry in ClinVar:

ClinVar aggregate classification (germline): Uncertain significance. Review status: criteria provided, multiple submitters, no conflicts (2 of 4 stars). 2 submissions from 2 submitters: Uncertain significance (2). Last evaluated 2023-06-05.

Conditions:
Cystic fibrosis (CF). Also called: MUCOVISCIDOSIS. Identifiers: Orphanet 586, MedGen C0010674, MONDO:0009061, OMIM 219700. Disease mechanism: loss of function.

Submissions (2):

Labcorp Genetics (formerly Invitae), Labcorp
Classification: Uncertain significance for Cystic fibrosis. Last evaluated: 2023-06-05. Review status: criteria provided, single submitter. Criteria: Invitae Variant Classification Sherloc (09022015). Collection method: clinical testing. Allele origin: germline.
Comment: Advanced modeling of protein sequence and biophysical properties (such as structural, functional, and spatial information, amino acid conservation, physicochemical variation, residue mobility, and thermodynamic stability) performed at Invitae indicates that this missense variant is not expected to disrupt CFTR protein function. In summary, the available evidence is currently insufficient to determine the role of this variant in disease. Therefore, it has been classified as a Variant of Uncertain Significance. ClinVar contains an entry for this variant (Variation ID: 1754559). This variant has not been reported in the literature in individuals affected with CFTR-related conditions. This variant is not present in population databases (gnomAD no frequency). This sequence change replaces alanine, which is neutral and non-polar, with glutamic acid, which is acidic and polar, at codon 221 of the CFTR protein (p.Ala221Glu).

Ambry Genetics
Classification: Uncertain significance for Cystic fibrosis. Last evaluated: 2022-02-13. Review status: criteria provided, single submitter. Criteria: Ambry Variant Classification Scheme 2023. Collection method: clinical testing. Allele origin: germline.
Comment: The p.A221E variant (also known as c.662C>A), located in coding exon 6 of the CFTR gene, results from a C to A substitution at nucleotide position 662. The alanine at codon 221 is replaced by glutamic acid, an amino acid with dissimilar properties. This amino acid position is conserved. In addition, the in silico prediction for this alteration is inconclusive. Since supporting evidence is limited at this time, the clinical significance of this alteration remains unclear.

NM_000492.4(CFTR):c.662C>A (p.Ala221Glu)

Gene: CFTR (CF transmembrane conductance regulator; plus strand). Cytogenetic location: 7q31.2.
Variant type: single nucleotide variant.
Coding change: c.662C>A on transcript NM_000492.4 (MANE Select); coding-DNA position 662, C replaced by A.
Protein change: p.Ala221Glu; replaces alanine 221 with glutamic acid.
Molecular consequence: missense variant.
Genome position (GRCh38, 1-based): chr7:117,535,330, C>A. VCF-style: chr7-117535330-C-A. GRCh37 (hg19) VCF-style: chr7-117175384-C-A.
Other names: short protein forms A221E.
Identifiers: ClinVar variation 1754559 (VCV001754559.5), dbSNP rs752432390, ClinGen allele CA368976982.